The following is an entry in ClinVar:

NM_007194.4(CHEK2):c.1264dup (p.Ser422fs)

Gene: CHEK2 (checkpoint kinase 2; minus strand). Cytogenetic location: 22q12.1.
Variant type: Duplication.
Coding change: c.1264dup on transcript NM_007194.4 (MANE Select); coding-DNA position 1264, one base duplicated (A; older notation c.1264dupA).
Protein change: p.Ser422fs; shifts the reading frame from serine 422.
Molecular consequence: frameshift variant.
Genome position (GRCh38, 1-based): chr22:28,695,238, T duplicated on the plus strand (A on the coding strand, the reverse complement: CHEK2 is on the minus strand). VCF-style (leftmost placement, unchanged base first): chr22-28695237-C-CT. GRCh37 (hg19) VCF-style: chr22-29091225-C-CT.
Other names: c.1393dup, p.Ser465Lysfs (NM_001005735.3); c.601dup, p.Ser201Lysfs (NM_001257387.3); c.1063dup, p.Ser355Lysfs (NM_001349956.3); c.1177dup, p.Ser393Lysfs (NM_145862.3); short protein forms S201fs, S355fs, S393fs, S422fs, S465fs.
Identifiers: ClinVar variation 1072632 (VCV001072632.8), dbSNP rs2145796040, ClinGen allele CA2499226058.

ClinVar aggregate classification (germline): Pathogenic (1 of 4 stars; one submission).

Conditions:
Familial cancer of breast. Also called: Hereditary breast cancer; hereditary breast carcinoma; BREAST CANCER, FAMILIAL. Identifiers: Orphanet 227535, MedGen C0346153, MONDO:0016419, OMIM 114480. Disease mechanism: loss of function.

Submission:

Labcorp Genetics (formerly Invitae), Labcorp
Classification: Pathogenic for Familial cancer of breast. Last evaluated: 2020-03-30. Review status: criteria provided, single submitter. Criteria: Invitae Variant Classification Sherloc (09022015). Collection method: clinical testing. Allele origin: germline.
Comment: This sequence change creates a premature translational stop signal (p.Ser422Lysfs*8) in the CHEK2 gene. It is expected to result in an absent or disrupted protein product. This variant is not present in population databases (ExAC no frequency). This variant has not been reported in the literature in individuals with CHEK2-related conditions. Algorithms developed to predict the effect of sequence changes on RNA splicing suggest that this variant may create or strengthen a splice site, but this prediction has not been confirmed by published transcriptional studies. Loss-of-function variants in CHEK2 are known to be pathogenic (PMID: 21876083, 24713400). For these reasons, this variant has been classified as Pathogenic.

Literature cited by the submitters: PubMed 21876083; PubMed 24713400.